The following is an entry in ClinVar:

NM_213653.4(HJV):c.240T>A (p.Cys80Ter)

Gene: HJV (hemojuvelin BMP co-receptor; minus strand). Cytogenetic location: 1q21.1.
Variant type: single nucleotide variant.
Coding change: c.240T>A on transcript NM_213653.4 (MANE Select); coding-DNA position 240, T replaced by A.
Protein change: p.Cys80Ter; replaces cysteine 80 with a stop codon.
Molecular consequence: nonsense. On other transcripts: 5 prime UTR variant (1), intron variant (3).
Genome position (GRCh38, 1-based): chr1:146,019,592, A>T on the plus strand (T>A on the coding strand, the complement: HJV is on the minus strand). VCF-style: chr1-146019592-A-T. GRCh37 (hg19) VCF-style: chr1-145415421-T-A.
Other names: c.240T>A, p.Cys80Ter (NM_001379352.1); c.-100T>A (NM_145277.5); c.-21-892T>A (NM_213652.4); c.-22+106T>A (NM_202004.4, NM_001316767.2); short protein forms C80*.
Identifiers: ClinVar variation 3658687 (VCV003658687.2).
Genomic context (GRCh38, chr1:146,019,592, plus strand): 5'-GTCCCCGCGGCAGGTGCGGGCGGTGCGCCGAGTGCAGAGCGCATAGGAGCGGAGGGCTCG[A>T]CAGAGGCCGCCAGAGCCCACCCCTCCACCCCGGCCTCCTCCTCCTCCTCCTCGAAGTGCT-3'

ClinVar aggregate classification (germline): Pathogenic (1 of 4 stars; one submission).

Submission:

Labcorp Genetics (formerly Invitae), Labcorp
Classification: Pathogenic. Last evaluated: 2024-07-03. Review status: criteria provided, single submitter. Criteria: Invitae Variant Classification Sherloc (09022015). Collection method: clinical testing. Allele origin: germline.
Comment: This sequence change creates a premature translational stop signal (p.Cys80*) in the HJV gene. It is expected to result in an absent or disrupted protein product. Loss-of-function variants in HJV are known to be pathogenic (PMID: 20301349, 22408404). This variant is not present in population databases (gnomAD no frequency). This variant has not been reported in the literature in individuals affected with HJV-related conditions. For these reasons, this variant has been classified as Pathogenic.

Literature cited by the submitters: PubMed 20301349; PubMed 22408404.